The following is an entry in ClinVar:

ClinVar aggregate classification (germline): Conflicting classifications of pathogenicity. Review status: criteria provided, conflicting classifications (1 of 4 stars). 3 submissions from 3 submitters: Uncertain significance (2); Likely benign (1). Last evaluated 2024-12-03.

Conditions:
Cardiovascular phenotype. Identifiers: MedGen CN230736.
Connective tissue disorder. Also called: Connective tissue disease. Identifiers: MedGen C0009782, MONDO:0003900.
Osteogenesis imperfecta type I (OI1). Also called: Lobstein disease; OI, TYPE I; OSTEOGENESIS IMPERFECTA TARDA; OSTEOGENESIS IMPERFECTA WITH BLUE SCLERAE; Lobstein's Disease; Classic Non-deforming Osteogenesis Imperfecta with Blue Sclerae. Identifiers: Orphanet 216796, Orphanet 666, MedGen C0023931, MONDO:0008146, OMIM 166200. Disease mechanism: loss of function.

Allele frequency attached by ClinVar (database versions not stated): TOPMed 0.00001.
gnomAD v4.1: 11 of 1,611,646 alleles (0.00068%); highest among the groups gnomAD compares: East Asian, 0.025%; no homozygotes.

Submissions (3):

Ambry Genetics
Classification: Uncertain significance for Cardiovascular phenotype. Last evaluated: 2024-12-03. Review status: criteria provided, single submitter. Criteria: Ambry Variant Classification Scheme 2023. Collection method: clinical testing. Allele origin: germline.
Comment: The p.P808T variant (also known as c.2422C>A), located in coding exon 35 of the COL1A1 gene, results from a C to A substitution at nucleotide position 2422. The proline at codon 808 is replaced by threonine, an amino acid with highly similar properties. This amino acid position is not well conserved in available vertebrate species. In addition, the in silico prediction for this alteration is inconclusive. Based on the available evidence, the clinical significance of this variant remains unclear.

Labcorp Genetics (formerly Invitae), Labcorp
Classification: Uncertain significance for Osteogenesis imperfecta type I. Last evaluated: 2022-03-04. Review status: criteria provided, single submitter. Criteria: Invitae Variant Classification Sherloc (09022015). Collection method: clinical testing. Allele origin: germline.
Comment: This sequence change replaces proline, which is neutral and non-polar, with threonine, which is neutral and polar, at codon 808 of the COL1A1 protein (p.Pro808Thr). This variant is not present in population databases (gnomAD no frequency). This variant has not been reported in the literature in individuals affected with COL1A1-related conditions. ClinVar contains an entry for this variant (Variation ID: 547229). Advanced modeling of protein sequence and biophysical properties (such as structural, functional, and spatial information, amino acid conservation, physicochemical variation, residue mobility, and thermodynamic stability) performed at Invitae indicates that this missense variant is not expected to disrupt COL1A1 protein function. In summary, the available evidence is currently insufficient to determine the role of this variant in disease. Therefore, it has been classified as a Variant of Uncertain Significance.

Center for Human Genetics, Inc
Classification: Likely benign for Connective tissue disorder. Last evaluated: 2016-11-01. Review status: criteria provided, single submitter. Criteria: ACMG Guidelines, 2015. Collection method: clinical testing. Allele origin: germline. Affected: yes.

NM_000088.4(COL1A1):c.2422C>A (p.Pro808Thr)

Gene: COL1A1 (collagen type I alpha 1 chain; minus strand). Cytogenetic location: 17q21.33.
Variant type: single nucleotide variant.
Coding change: c.2422C>A on transcript NM_000088.4 (MANE Select); coding-DNA position 2422, C replaced by A.
Protein change: p.Pro808Thr; replaces proline 808 with threonine.
Molecular consequence: missense variant.
Genome position (GRCh38, 1-based): chr17:50,190,356, G>T on the plus strand (C>A on the coding strand, the complement: COL1A1 is on the minus strand). VCF-style: chr17-50190356-G-T. GRCh37 (hg19) VCF-style: chr17-48267717-G-T.
Other names: short protein forms P808T.
Identifiers: ClinVar variation 547229 (VCV000547229.7), dbSNP rs1215940390, ClinGen allele CA400207963.